The following is an entry in ClinVar:

NM_032119.4(ADGRV1):c.17988G>A (p.Trp5996Ter)

Gene: ADGRV1 (adhesion G protein-coupled receptor V1; plus strand). Cytogenetic location: 5q14.3.
Variant type: single nucleotide variant.
Coding change: c.17988G>A on transcript NM_032119.4 (MANE Select); coding-DNA position 17988, G replaced by A.
Protein change: p.Trp5996Ter; replaces tryptophan 5996 with a stop codon.
Molecular consequence: nonsense. On other transcripts: non-coding transcript variant (1).
Genome position (GRCh38, 1-based): chr5:90,985,358, G>A. VCF-style: chr5-90985358-G-A. GRCh37 (hg19) VCF-style: chr5-90281175-G-A.
Other names: short protein forms W5996*.
Identifiers: ClinVar variation 2793222 (VCV002793222.3), dbSNP rs1780401677, ClinGen allele CA360429067.

ClinVar aggregate classification (germline): Pathogenic (1 of 4 stars; one submission).

Allele frequency attached by ClinVar (database versions not stated): gnomAD 0.00001; TOPMed 0.00001.
gnomAD v4.1: 2 of 1,609,004 alleles (0.00012%); highest among the groups gnomAD compares: Non-Finnish European, 0.00017%; no homozygotes.

Submission:

Labcorp Genetics (formerly Invitae), Labcorp
Classification: Pathogenic. Last evaluated: 2023-11-13. Review status: criteria provided, single submitter. Criteria: Invitae Variant Classification Sherloc (09022015). Collection method: clinical testing. Allele origin: germline.
Comment: This sequence change creates a premature translational stop signal (p.Trp5996*) in the ADGRV1 gene. It is expected to result in an absent or disrupted protein product. Loss-of-function variants in ADGRV1 are known to be pathogenic (PMID: 19357117, 22135276, 22147658, 26226137, 30718709, 31047384, 32467589). This variant is not present in population databases (gnomAD no frequency). This variant has not been reported in the literature in individuals affected with ADGRV1-related conditions. For these reasons, this variant has been classified as Pathogenic.

Literature cited by the submitters: PubMed 19357117; PubMed 22135276; PubMed 22147658; PubMed 26226137; PubMed 30718709; PubMed 31047384; PubMed 32467589.